The following is an entry in ClinVar:

ClinVar aggregate classification (germline): Likely pathogenic. Review status: criteria provided, multiple submitters, no conflicts (2 of 4 stars). 2 submissions from 2 submitters: Likely pathogenic (2). Last evaluated 2024-05-08.

Conditions:
Primary ciliary dyskinesia. Also called: Ciliary dyskinesia. Identifiers: Orphanet 244, MedGen C0008780, MONDO:0016575, HP:0012265.

Allele frequency attached by ClinVar (database versions not stated): gnomAD exomes below 0.00001.

Submissions (2):

Natera, Inc.
Classification: Likely pathogenic for Primary ciliary dyskinesia. Last evaluated: 2024-05-08. Review status: criteria provided, single submitter. Criteria: Natera Variant Classification Schema (03/2026). Collection method: clinical testing. Allele origin: germline.
Comment: The c.2577+2delT variant in DNAH5 is a canonical splice donor site variant predicted to affect pre-mRNA splicing, which may result in an abnormal transcript and altered protein product. This variant is expected to result in nonsense mediated decay, truncation, or a dysfunctional protein product. This variant is rare in the general population with a frequency below the threshold expected for the associated phenotype(s). Given the available evidence, this variant is classified as Likely Pathogenic.

Labcorp Genetics (formerly Invitae), Labcorp
Classification: Likely pathogenic for Primary ciliary dyskinesia. Last evaluated: 2023-12-01. Review status: criteria provided, single submitter. Criteria: Invitae Variant Classification Sherloc (09022015). Collection method: clinical testing. Allele origin: germline.
Comment: This sequence change affects a splice site in intron 17 of the DNAH5 gene. It is expected to disrupt RNA splicing. Variants that disrupt the donor or acceptor splice site typically lead to a loss of protein function (PMID: 16199547), and loss-of-function variants in DNAH5 are known to be pathogenic (PMID: 11788826, 16627867). This variant is not present in population databases (gnomAD no frequency). This variant has not been reported in the literature in individuals affected with DNAH5-related conditions. Algorithms developed to predict the effect of sequence changes on RNA splicing suggest that this variant may disrupt the consensus splice site. In summary, the currently available evidence indicates that the variant is pathogenic, but additional data are needed to prove that conclusively. Therefore, this variant has been classified as Likely Pathogenic.

Literature cited by the submitters: PubMed 16199547 (cited by Labcorp Genetics (formerly Invitae), Labcorp); PubMed 11788826 (cited by Labcorp Genetics (formerly Invitae), Labcorp); PubMed 16627867 (cited by Labcorp Genetics (formerly Invitae), Labcorp).

NM_001369.3(DNAH5):c.2577+2del

Genes: DNAH5 (dynein axonemal heavy chain 5; minus strand), DNAH5-AS1 (DNAH5 antisense RNA 1; plus strand). Cytogenetic location: 5p15.2.
Variant type: Deletion.
Coding change: c.2577+2del on transcript NM_001369.3 (MANE Select); the canonical splice donor site of the intron after coding-DNA position 2577, one base deleted (T; older notation c.2577+2delT).
Molecular consequence: splice donor variant.
Genome position (GRCh38, 1-based): chr5:13,890,974, A deleted on the plus strand (T on the coding strand, the reverse complement: DNAH5 is on the minus strand). VCF-style (leftmost placement, unchanged base first): chr5-13890973-GA-G. GRCh37 (hg19) VCF-style: chr5-13891082-GA-G.
Other names: c.2577+2delT (NM_001369.2).
Identifiers: ClinVar variation 2700076 (VCV002700076.4), dbSNP rs2547056814, ClinGen allele CA2673277523.